The following is an entry in ClinVar:

NM_001939.3(DRP2):c.2543G>A (p.Arg848His)

Gene: DRP2 (dystrophin related protein 2; plus strand). Cytogenetic location: Xq22.1.
Variant type: single nucleotide variant.
Coding change: c.2543G>A on transcript NM_001939.3 (MANE Select); coding-DNA position 2543, G replaced by A.
Protein change: p.Arg848His; replaces arginine 848 with histidine.
Molecular consequence: missense variant.
Genome position (GRCh38, 1-based): chrX:101,258,461, G>A. VCF-style: chrX-101258461-G-A. GRCh37 (hg19) VCF-style: chrX-100513450-G-A.
Other names: c.2309G>A, p.Arg770His (NM_001171184.2); c.2543G>A (NM_001939.2); short protein forms R848H, R770H.
Identifiers: ClinVar variation 1984149 (VCV001984149.5), dbSNP rs1005595951, ClinGen allele CA333098888.

ClinVar aggregate classification (germline): Uncertain significance. Review status: criteria provided, multiple submitters, no conflicts (2 of 4 stars). 2 submissions from 2 submitters: Uncertain significance (2). Last evaluated 2025-11-26.

Allele frequency attached by ClinVar (database versions not stated): TOPMed 0.00001; gnomAD exomes 0.00002; gnomAD 0.00003.
gnomAD v4.1: 22 of 1,198,380 alleles (0.0018%); highest among the groups gnomAD compares: Middle Eastern, 0.046%; no homozygotes.

Submissions (2):

Ambry Genetics
Classification: Uncertain significance. Last evaluated: 2025-11-26. Review status: criteria provided, single submitter. Criteria: Ambry Variant Classification Scheme 2023. Collection method: clinical testing. Allele origin: germline.

Labcorp Genetics (formerly Invitae), Labcorp
Classification: Uncertain significance. Last evaluated: 2022-09-12. Review status: criteria provided, single submitter. Criteria: Invitae Variant Classification Sherloc (09022015). Collection method: clinical testing. Allele origin: germline.
Comment: In summary, the available evidence is currently insufficient to determine the role of this variant in disease. Therefore, it has been classified as a Variant of Uncertain Significance. Advanced modeling of protein sequence and biophysical properties (such as structural, functional, and spatial information, amino acid conservation, physicochemical variation, residue mobility, and thermodynamic stability) performed at Invitae indicates that this missense variant is not expected to disrupt DRP2 protein function. This variant has not been reported in the literature in individuals affected with DRP2-related conditions. This variant is present in population databases (no rsID available, gnomAD 0.02%). This sequence change replaces arginine, which is basic and polar, with histidine, which is basic and polar, at codon 848 of the DRP2 protein (p.Arg848His).